The following is an entry in ClinVar:

ClinVar aggregate classification (germline): Conflicting classifications of pathogenicity. Review status: criteria provided, conflicting classifications (1 of 4 stars). 5 submissions from 5 submitters: Uncertain significance (4); Likely benign (1). Last evaluated 2025-11-12.

Conditions:
Cardiovascular phenotype. Identifiers: MedGen CN230736.
Dilated cardiomyopathy 1DD (CMD1DD). Identifiers: Orphanet 154, MedGen C2750995, MONDO:0013168, OMIM 613172.

Allele frequency attached by ClinVar (database versions not stated): TOPMed 0.00003; gnomAD 0.00004; ExAC 0.00005; gnomAD exomes 0.00005 and 0.00009.
gnomAD v4.1: 135 of 1,551,598 alleles (0.0087%); highest among the groups gnomAD compares: Non-Finnish European, 0.011%; no homozygotes.

Submissions (5):

Labcorp Genetics (formerly Invitae), Labcorp
Classification: Likely benign for Dilated cardiomyopathy 1DD. Last evaluated: 2025-11-12. Review status: criteria provided, single submitter. Criteria: Invitae Variant Classification Sherloc (09022015). Collection method: clinical testing. Allele origin: germline.

GeneDx
Classification: Uncertain significance. Last evaluated: 2024-07-15. Review status: criteria provided, single submitter. Criteria: GeneDx Variant Classification Process June 2021. Collection method: clinical testing. Allele origin: germline. Affected: yes.
Comment: Has not been previously published as pathogenic or benign to our knowledge; In silico analysis indicates that this missense variant does not alter protein structure/function

Mayo Clinic Laboratories, Mayo Clinic
Classification: Uncertain significance. Last evaluated: 2024-06-06. Review status: criteria provided, single submitter. Criteria: ACMG Guidelines, 2015. Collection method: clinical testing. Allele origin: germline. Observed: 2 variant alleles.

Ambry Genetics
Classification: Uncertain significance for Cardiovascular phenotype. Last evaluated: 2023-12-14. Review status: criteria provided, single submitter. Criteria: Ambry Variant Classification Scheme 2023. Collection method: clinical testing. Allele origin: germline.
Comment: The p.Q205K variant (also known as c.613C>A), located in coding exon 2 of the RBM20 gene, results from a C to A substitution at nucleotide position 613. The glutamine at codon 205 is replaced by lysine, an amino acid with similar properties. This amino acid position is not well conserved in available vertebrate species. In addition, the in silico prediction for this alteration is inconclusive. Since supporting evidence is limited at this time, the clinical significance of this alteration remains unclear.

Fulgent Genetics
Classification: Uncertain significance for Dilated cardiomyopathy 1DD. Last evaluated: 2021-10-12. Review status: criteria provided, single submitter. Criteria: ACMG Guidelines, 2015. Collection method: clinical testing. Allele origin: unknown.

NM_001134363.3(RBM20):c.613C>A (p.Gln205Lys)

Gene: RBM20 (RNA binding motif protein 20; plus strand). Cytogenetic location: 10q25.2.
Variant type: single nucleotide variant.
Coding change: c.613C>A on transcript NM_001134363.3 (MANE Select); coding-DNA position 613, C replaced by A.
Protein change: p.Gln205Lys; replaces glutamine 205 with lysine.
Molecular consequence: missense variant.
Genome position (GRCh38, 1-based): chr10:110,781,222, C>A. VCF-style: chr10-110781222-C-A. GRCh37 (hg19) VCF-style: chr10-112540980-C-A.
Other names: p.Q205K:CAG>AAG; p.Gln205Lys; c.613C>A (LRG_382t1); short protein forms Q205K.
Identifiers: ClinVar variation 202053 (VCV000202053.16), dbSNP rs779777625, ClinGen allele CA335529.